The following is an entry in ClinVar:

ClinVar aggregate classification (germline): Pathogenic (1 of 4 stars; one submission).

Conditions:
Autosomal recessive spinocerebellar ataxia 12. Also called: SPINOCEREBELLAR ATAXIA WITH MENTAL RETARDATION AND EPILEPSY. Identifiers: Orphanet 284282, MedGen C3280452, MONDO:0013687, OMIM 614322.
Developmental and epileptic encephalopathy, 1 (DEE1). Also called: X-linked infantile spasms; West's syndrome; Tonic spasms with clustering, arrest of psychomotor development and hypsarrhythmia on EEG; X-Linked Infantile Spasm Syndrome; OHTAHARA SYNDROME, X-LINKED; INFANTILE SPASM SYNDROME, X-LINKED 1. Identifiers: MedGen C3463992, MONDO:0010632, OMIM 308350. Disease mechanism: loss of function.

Submission:

Labcorp Genetics (formerly Invitae), Labcorp
Classification: Pathogenic for Developmental and epileptic encephalopathy, 1; Autosomal recessive spinocerebellar ataxia 12. Last evaluated: 2023-11-12. Review status: criteria provided, single submitter. Criteria: Invitae Variant Classification Sherloc (09022015). Collection method: clinical testing. Allele origin: germline.
Comment: This variant is a gross deletion of the genomic region encompassing exon(s) 6 of the WWOX gene. This deletion is out-of-frame, and is expected to create a premature termination codon and result in an absent or disrupted protein product. Loss-of-function variants in WWOX are known to be pathogenic (PMID: 24456803, 25411445). A similar copy number variant has been observed in individual(s) with infantile epileptic encephalopathy (PMID: 25411445). For these reasons, this variant has been classified as Pathogenic.

Literature cited by the submitters: PubMed 24456803; PubMed 25411445.

NC_000016.10:g.(?_78386840)_(78386968_?)del

Gene: WWOX (WW domain containing oxidoreductase; plus strand). Cytogenetic location: 16q23.1.
Variant type: Deletion.
Identifiers: ClinVar variation 583631 (VCV000583631.9).